The following is an entry in ClinVar:

NM_007294.4(BRCA1):c.2641G>A (p.Glu881Lys)

Gene: BRCA1 (BRCA1 DNA repair associated; minus strand). Cytogenetic location: 17q21.31.
Variant type: single nucleotide variant.
Coding change: c.2641G>A on transcript NM_007294.4 (MANE Select); coding-DNA position 2641, G replaced by A.
Protein change: p.Glu881Lys; replaces glutamic acid 881 with lysine.
Molecular consequence: missense variant. On other transcripts: intron variant (137).
Genome position (GRCh38, 1-based): chr17:43,092,890, C>T on the plus strand (G>A on the coding strand, the complement: BRCA1 is on the minus strand). VCF-style: chr17-43092890-C-T. GRCh37 (hg19) VCF-style: chr17-41244907-C-T.
Other names: c.2641G>A, p.Glu881Lys (NM_001407623.1, NM_001407624.1, NM_001407625.1 and 30 more transcripts); c.520+1854G>A (NM_001408504.1, NM_001408503.1, NM_001408505.1); c.643+1854G>A (NM_001408463.1, NM_001408462.1, NM_001408470.1 and 3 more transcripts); c.523+1854G>A (NM_001408499.1, NM_001408498.1, NM_001408501.1 and 3 more transcripts); c.671-1858G>A (NM_001408422.1, NM_001408418.1, NM_001408423.1 and 2 more transcripts); c.706+1854G>A (NM_001408416.1, NM_001408413.1); c.577+1854G>A (NM_001408484.1, NM_001408478.1, NM_001408485.1 and 9 more transcripts); c.661+1854G>A (NM_001408450.1, NM_001408434.1, NM_001408446.1 and 6 more transcripts); and 41 more; short protein forms E713K, E753K, E810K, E814K, E833K, E878K, E880K, E754K.
Identifiers: ClinVar variation 3634666 (VCV003634666.2).

ClinVar aggregate classification (germline): Uncertain significance (1 of 4 stars; one submission).

Conditions:
Hereditary breast ovarian cancer syndrome. Also called: Hereditary breast and ovarian cancer syndrome; Hereditary breast and ovarian cancer syndrome (HBOC); BRCA1- and BRCA2-Associated Hereditary Breast and Ovarian Cancer; Hereditary breast and ovarian cancer; Breast and ovarian cancer; Hereditary breast and/or ovarian cancer syndrome. Identifiers: Orphanet 145, MedGen C0677776, MeSH D061325, MONDO:0003582. Disease mechanism: loss of function.

gnomAD v4.1: 1 of 1,613,904 alleles (0.000062%); highest among the groups gnomAD compares: South Asian, 0.0011%; no homozygotes.

Submission:

Labcorp Genetics (formerly Invitae), Labcorp
Classification: Uncertain significance for Hereditary breast ovarian cancer syndrome. Last evaluated: 2024-08-08. Review status: criteria provided, single submitter. Criteria: Invitae Variant Classification Sherloc (09022015). Collection method: clinical testing. Allele origin: germline.
Comment: This sequence change replaces glutamic acid, which is acidic and polar, with lysine, which is basic and polar, at codon 881 of the BRCA1 protein (p.Glu881Lys). This variant is present in population databases (rs397508988, gnomAD 0.003%). This variant has not been reported in the literature in individuals affected with BRCA1-related conditions. Advanced modeling of protein sequence and biophysical properties (such as structural, functional, and spatial information, amino acid conservation, physicochemical variation, residue mobility, and thermodynamic stability) performed at Invitae indicates that this missense variant is not expected to disrupt BRCA1 protein function with a negative predictive value of 95%. In summary, the available evidence is currently insufficient to determine the role of this variant in disease. Therefore, it has been classified as a Variant of Uncertain Significance.